The following is an entry in ClinVar:

ClinVar aggregate classification (germline): Conflicting classifications of pathogenicity. Review status: criteria provided, conflicting classifications (1 of 4 stars). 9 submissions from 9 submitters: Uncertain significance (7); Likely benign (1). 1 of the submissions does not count toward it. Last evaluated 2025-12-20.

Conditions:
Marfan syndrome (MFS). Also called: MARFAN SYNDROME, TYPE I; FBN1-Related Marfan Syndrome; Marfan syndrome, classic; Marfan syndrome type 1; Marfan's syndrome. Identifiers: Orphanet 284963, Orphanet 558, MedGen C0024796, MONDO:0007947, OMIM 154700.
Familial thoracic aortic aneurysm and aortic dissection (TAAD). Also called: Thoracic aortic aneurysms and dissections. Identifiers: Orphanet 91387, MedGen C4707243, MONDO:0019625.

Allele frequency attached by ClinVar (database versions not stated): gnomAD 0.00001; ExAC 0.00001; TOPMed 0.00002; gnomAD exomes 0.00001.
gnomAD v4.1: 19 of 1,613,762 alleles (0.0012%); highest among the groups gnomAD compares: East Asian, 0.0022%; no homozygotes.

Submissions (9):

Labcorp Genetics (formerly Invitae), Labcorp
Classification: Likely benign for Marfan syndrome; Familial thoracic aortic aneurysm and aortic dissection. Last evaluated: 2025-12-20. Review status: criteria provided, single submitter. Criteria: Invitae Variant Classification Sherloc (09022015). Collection method: clinical testing. Allele origin: germline.

GeneDx
Classification: Uncertain significance. Last evaluated: 2025-10-01. Review status: criteria provided, single submitter. Criteria: GeneDx Variant Classification Process June 2021. Collection method: clinical testing. Allele origin: germline. Affected: yes.
Comment: Has not been previously published as pathogenic or benign to our knowledge; Not observed at significant frequency in large population cohorts (gnomAD); In silico analysis suggests that this missense variant does not alter protein structure/function; This variant is associated with the following publications: (PMID: 12938084)

Color Diagnostics, LLC DBA Color Health
Classification: Uncertain significance for Familial thoracic aortic aneurysm and aortic dissection. Last evaluated: 2024-04-17. Review status: criteria provided, single submitter. Criteria: ACMG Guidelines, 2015. Collection method: clinical testing. Allele origin: germline.
Comment: This missense variant replaces asparagine with serine at codon 2533 of the FBN1 protein. Computational prediction tools indicate that this variant has a neutral impact on protein structure and function. To our knowledge, functional studies have not been reported for this variant. This variant has not been reported in individuals affected with FBN1-related disorders in the literature. This variant has been identified in 3/282074 chromosomes in the general population by the Genome Aggregation Database (gnomAD). The available evidence is insufficient to determine the role of this variant in disease conclusively. Therefore, this variant is classified as a Variant of Uncertain Significance.

All of Us Research Program, National Institutes of Health
Classification: Uncertain significance for Marfan syndrome. Last evaluated: 2024-01-11. Review status: criteria provided, single submitter. Criteria: ACMG Guidelines, 2015. Collection method: clinical testing. Allele origin: germline. Inheritance: Autosomal dominant inheritance. Observed: 3 variant alleles, 3 heterozygotes.
Comment: This study involves interpretation of variants in research participants for the purpose of population health screening. Participant phenotype was not available at the time of variant classification. Additional details can be found in publication PMID: 35346344, PMCID: PMC8962531

Women's Health and Genetics/Laboratory Corporation of America, LabCorp
Classification: Uncertain significance. Last evaluated: 2023-01-09. Review status: criteria provided, single submitter. Criteria: LabCorp Variant Classification Summary - May 2015. Collection method: clinical testing. Allele origin: germline.
Comment: Variant summary: FBN1 c.7598A>G (p.Asn2533Ser) results in a conservative amino acid change located in the EGF-like domain (IPR000742) of the encoded protein sequence. Four of five in-silico tools predict a benign effect of the variant on protein function. The variant allele was found at a frequency of 8e-06 in 250664 control chromosomes. The available data on variant occurrences in the general population are insufficient to allow any conclusion about variant significance. To our knowledge, no occurrence of c.7598A>G in individuals affected with Marfan Syndrome and no experimental evidence demonstrating its impact on protein function have been reported. Four clinical diagnostic laboratories have submitted clinical-significance assessments for this variant to ClinVar after 2014 without evidence for independent evaluation. All laboratories classified the variant as uncertain significance. Based on the evidence outlined above, the variant was classified as uncertain significance.

Ambry Genetics
Classification: Uncertain significance for Familial thoracic aortic aneurysm and aortic dissection. Last evaluated: 2021-10-07. Review status: criteria provided, single submitter. Criteria: Ambry Variant Classification Scheme 2023. Collection method: clinical testing. Allele origin: germline.
Comment: The p.N2533S variant (also known as c.7598A>G), located in coding exon 61 of the FBN1 gene, results from an A to G substitution at nucleotide position 7598. The asparagine at codon 2533 is replaced by serine, an amino acid with highly similar properties. This amino acid position is well conserved in available vertebrate species. In addition, this alteration is predicted to be tolerated by in silico analysis. Since supporting evidence is limited at this time, the clinical significance of this alteration remains unclear.

Blueprint Genetics
Classification: Uncertain significance. Last evaluated: 2020-01-27. Review status: criteria provided, single submitter. Criteria: ACMG Guidelines, 2015. Collection method: clinical testing. Allele origin: germline.

Center for Human Genetics, Inc
Classification: Uncertain significance for Marfan syndrome. Last evaluated: 2016-11-01. Review status: criteria provided, single submitter. Criteria: ACMG Guidelines, 2015. Collection method: clinical testing. Allele origin: germline. Affected: yes.

Department of Laboratory Medicine and Genetics, Samsung Medical Center
Classification: Uncertain significance for Marfan syndrome. Last evaluated: 2025-01-02. Review status: no assertion criteria provided. Collection method: clinical testing. Allele origin: germline. Not counted in ClinVar's aggregate classification.
Comment: The NM_000138.5:c.7598A>G is considered to be not rare in the general population database (gnomAD v2.1.1). In summary, the available evidence is currently insufficient to evaluate the pathogenicity of this variant, resulting its classification as a variant of uncertain significance (no evidence applied).

NM_000138.5(FBN1):c.7598A>G (p.Asn2533Ser)

Gene: FBN1 (fibrillin 1; minus strand). Cytogenetic location: 15q21.1.
Variant type: single nucleotide variant.
Coding change: c.7598A>G on transcript NM_000138.5 (MANE Select); coding-DNA position 7598, A replaced by G.
Protein change: p.Asn2533Ser; replaces asparagine 2533 with serine.
Molecular consequence: missense variant.
Genome position (GRCh38, 1-based): chr15:48,421,659, T>C on the plus strand (A>G on the coding strand, the complement: FBN1 is on the minus strand). VCF-style: chr15-48421659-T-C. GRCh37 (hg19) VCF-style: chr15-48713856-T-C.
Other names: p.N2533S:AAT>AGT; short protein forms N2533S.
Identifiers: ClinVar variation 200116 (VCV000200116.22), dbSNP rs111231879, ClinGen allele CA017269.
Genomic context (GRCh38, chr15:48,421,659, plus strand): 5'-TGGCATTCACAGGTGAAGCTTCCAGGAGTGTTCTGGCAAATGCCCTTAGACCCGCACAGA[T>C]TGATGTCAGAGGTGCATTCATTGTTATCTATGAGAAGCAGTGGGGGCAAAGAGGGGTTAA-3'
Protein context (NP_000129.3, residues 2523-2543): IDNNECTSDI[Asn2533Ser]LCGSKGICQN